The following is an entry in ClinVar:

ClinVar aggregate classification (germline): Pathogenic. Review status: criteria provided, multiple submitters, no conflicts (2 of 4 stars). 2 submissions from 2 submitters: Pathogenic (2). Last evaluated 2022-01-01.

Conditions:
Developmental and epileptic encephalopathy, 19 (DEE19). Also called: Epileptic encephalopathy, early infantile, 19. Identifiers: Orphanet 33069, MedGen C3810400, MONDO:0014328, OMIM 615744.

Submissions (2):

Provincial Medical Genetics Program of British Columbia, University of British Columbia
Classification: Pathogenic for Developmental and epileptic encephalopathy, 19. Last evaluated: 2022-01-01. Review status: criteria provided, single submitter. Criteria: ACMG Guidelines, 2015. Collection method: clinical testing. Allele origin: de novo. Affected: yes.

GeneDx
Classification: Pathogenic. Last evaluated: 2017-05-31. Review status: criteria provided, single submitter. Criteria: GeneDx Variant Classification (06012015). Collection method: clinical testing. Allele origin: germline. Affected: yes.
Comment: The V287L variant in the GABRA1 gene has been reported previously in an individual with early onset epileptic encephalopathy, intellectual disability, brain MRI abnormalities, and a history of choreoathetosis (Kodera et al., 2016). The V287L variant is not observed in large population cohorts (Lek et al., 2016; 1000 Genomes Consortium et al., 2015; Exome Variant Server). The V287L variant is a conservative amino acid substitution, which occurs at a position that is conserved across species. In silico analysis is inconsistent in its predictions as to whether or not the variant is damaging to the protein structure/function. Missense variants in nearby residues (T289P, T289A, T292I) have been reported in the Human Gene Mutation Database in association with GABRA1-related disorders (Stenson et al., 2014), supporting the functional importance of this region of the protein. Therefore, we interpret V287L as a pathogenic variant

NM_001127644.2(GABRA1):c.859G>T (p.Val287Leu)

Gene: GABRA1 (gamma-aminobutyric acid type A receptor subunit alpha1; plus strand). Cytogenetic location: 5q34.
Variant type: single nucleotide variant.
Coding change: c.859G>T on transcript NM_001127644.2 (MANE Select); coding-DNA position 859, G replaced by T.
Protein change: p.Val287Leu; replaces valine 287 with leucine.
Molecular consequence: missense variant.
Genome position (GRCh38, 1-based): chr5:161,895,668, G>T. VCF-style: chr5-161895668-G-T. GRCh37 (hg19) VCF-style: chr5-161322674-G-T.
Other names: c.859G>T, p.Val287Leu (NM_000806.5, NM_001127643.2, NM_001127645.2 and 1 more transcripts); short protein forms V287L.
Identifiers: ClinVar variation 430503 (VCV000430503.4), dbSNP rs796052493, ClinGen allele CA362180072.
Genomic context (GRCh38, chr5:161,895,668, plus strand): 5'-CATGATGAAATTTCACAGTATGAACTGGCATCATGTATGTTTTTTTTTTTCTTTACAGGA[G>T]TAACAACTGTGCTCACCATGACAACATTGAGCATCAGTGCCAGAAACTCCCTCCCTAAGG-3'
Protein context (NP_001121116.1, residues 277-297): ESVPARTVFG[Val287Leu]TTVLTMTTLS